The following is an entry in ClinVar:

NM_001330260.2(SCN8A):c.1732G>A (p.Gly578Ser)

Gene: SCN8A (sodium voltage-gated channel alpha subunit 8; plus strand). Cytogenetic location: 12q13.13.
Variant type: single nucleotide variant.
Coding change: c.1732G>A on transcript NM_001330260.2 (MANE Select); coding-DNA position 1732, G replaced by A.
Protein change: p.Gly578Ser; replaces glycine 578 with serine.
Molecular consequence: missense variant.
Genome position (GRCh38, 1-based): chr12:51,721,642, G>A. VCF-style: chr12-51721642-G-A. GRCh37 (hg19) VCF-style: chr12-52115426-G-A.
Other names: c.1732G>A, p.Gly578Ser (NM_001177984.3, NM_001369788.1, NM_014191.4); short protein forms G578S.
Identifiers: ClinVar variation 3687641 (VCV003687641.2).

ClinVar aggregate classification (germline): Uncertain significance (1 of 4 stars; one submission).

Conditions:
Early-infantile DEE. Also called: Ohtahara syndrome; Early infantile epileptic encephalopathy with suppression bursts; Early infantile epileptic encephalopathy. Identifiers: Orphanet 1934, MedGen C0393706, MONDO:0800491.

Submission:

Labcorp Genetics (formerly Invitae), Labcorp
Classification: Uncertain significance for Early-infantile DEE. Last evaluated: 2024-05-29. Review status: criteria provided, single submitter. Criteria: Invitae Variant Classification Sherloc (09022015). Collection method: clinical testing. Allele origin: germline.
Comment: This sequence change replaces glycine, which is neutral and non-polar, with serine, which is neutral and polar, at codon 578 of the SCN8A protein (p.Gly578Ser). The frequency data for this variant in the population databases is considered unreliable, as metrics indicate poor data quality at this position in the gnomAD database. This variant has not been reported in the literature in individuals affected with SCN8A-related conditions. Advanced modeling of protein sequence and biophysical properties (such as structural, functional, and spatial information, amino acid conservation, physicochemical variation, residue mobility, and thermodynamic stability) performed at Invitae indicates that this missense variant is not expected to disrupt SCN8A protein function with a negative predictive value of 95%. In summary, the available evidence is currently insufficient to determine the role of this variant in disease. Therefore, it has been classified as a Variant of Uncertain Significance.